The following is an entry in ClinVar:

ClinVar aggregate classification (germline): Uncertain significance. Review status: criteria provided, multiple submitters, no conflicts (2 of 4 stars). 4 submissions from 4 submitters: Uncertain significance (4). Last evaluated 2025-01-13.

Conditions:
RASopathy. Also called: rasopathies; Noonan spectrum disorder. Identifiers: Orphanet 536391, MedGen C5555857, MONDO:0021060.
Cardiovascular phenotype. Identifiers: MedGen CN230736.

Allele frequency attached by ClinVar (database versions not stated): gnomAD 0.00001; TOPMed 0.00001; ESP Exome Variant Server 0.00008.
gnomAD v4.1: 8 of 1,612,930 alleles (0.0005%); highest among the groups gnomAD compares: African/African-American, 0.0013%; no homozygotes.

Submissions (4):

Labcorp Genetics (formerly Invitae), Labcorp
Classification: Uncertain significance for RASopathy. Last evaluated: 2025-01-13. Review status: criteria provided, single submitter. Criteria: Invitae Variant Classification Sherloc (09022015). Collection method: clinical testing. Allele origin: germline.
Comment: This sequence change replaces aspartic acid, which is acidic and polar, with asparagine, which is neutral and polar, at codon 294 of the PTPN11 protein (p.Asp294Asn). This variant is present in population databases (rs376007642, gnomAD 0.0009%). This variant has not been reported in the literature in individuals affected with PTPN11-related conditions. ClinVar contains an entry for this variant (Variation ID: 1764755). Invitae Evidence Modeling of protein sequence and biophysical properties (such as structural, functional, and spatial information, amino acid conservation, physicochemical variation, residue mobility, and thermodynamic stability) indicates that this missense variant is not expected to disrupt PTPN11 protein function with a negative predictive value of 80%. In summary, the available evidence is currently insufficient to determine the role of this variant in disease. Therefore, it has been classified as a Variant of Uncertain Significance.

Ambry Genetics
Classification: Uncertain significance for Cardiovascular phenotype. Last evaluated: 2024-11-22. Review status: criteria provided, single submitter. Criteria: Ambry Variant Classification Scheme 2023. Collection method: clinical testing. Allele origin: germline.
Comment: The p.D294N variant (also known as c.880G>A), located in coding exon 8 of the PTPN11 gene, results from a G to A substitution at nucleotide position 880. The aspartic acid at codon 294 is replaced by asparagine, an amino acid with highly similar properties. This amino acid position is highly conserved in available vertebrate species. In addition, the in silico prediction for this alteration is inconclusive. Since supporting evidence is limited at this time, the clinical significance of this alteration remains unclear.

Women's Health and Genetics/Laboratory Corporation of America, LabCorp
Classification: Uncertain significance. Last evaluated: 2023-12-21. Review status: criteria provided, single submitter. Criteria: LabCorp Variant Classification Summary - May 2015. Collection method: clinical testing. Allele origin: germline.
Comment: Variant summary: PTPN11 c.880G>A (p.Asp294Asn) results in a conservative amino acid change located in the PTPase domain (IPR000242) of the encoded protein sequence. Three of five in-silico tools predict a benign effect of the variant on protein function. The variant allele was found at a frequency of 5e-06 in 1,606,298 control chromosomes (gnomAD v4.0 dataset). The available data on variant occurrences in the general population are insufficient to allow any conclusion about variant significance. To our knowledge, no occurrence of c.880G>A in individuals affected with Noonan Syndrome/Leopard Syndrome and no experimental evidence demonstrating its impact on protein function have been reported. Two submitters have cited clinical-significance assessments for this variant to ClinVar after 2014. All submitters classified the variant as uncertain significance. Based on the evidence outlined above, the variant was classified as uncertain significance.

ARUP Laboratories, Molecular Genetics and Genomics, ARUP Laboratories
Classification: Uncertain significance. Last evaluated: 2023-10-17. Review status: criteria provided, single submitter. Criteria: ARUP Molecular Germline Variant Investigation Process 2024. Collection method: clinical testing. Allele origin: germline.

NM_002834.5(PTPN11):c.880G>A (p.Asp294Asn)

Gene: PTPN11 (protein tyrosine phosphatase non-receptor type 11; plus strand). Cytogenetic location: 12q24.13.
Variant type: single nucleotide variant.
Coding change: c.880G>A on transcript NM_002834.5 (MANE Select); coding-DNA position 880, G replaced by A.
Protein change: p.Asp294Asn; replaces aspartic acid 294 with asparagine.
Molecular consequence: missense variant.
Genome position (GRCh38, 1-based): chr12:112,477,677, G>A. VCF-style: chr12-112477677-G-A. GRCh37 (hg19) VCF-style: chr12-112915481-G-A.
Other names: c.880G>A, p.Asp294Asn (NM_001330437.2, NM_080601.3); c.877G>A, p.Asp293Asn (NM_001374625.1); short protein forms D294N, D293N.
Identifiers: ClinVar variation 1764755 (VCV001764755.10), dbSNP rs376007642, ClinGen allele CA243711916.
Genomic context (GRCh38, chr12:112,477,677, plus strand): 5'-GGACTTATGTGACCGTGGTCTCTTTTTCTTCTAGTTGATCATACCAGGGTTGTCCTACAC[G>A]ATGGTGATCCCAATGAGCCTGTTTCAGATTACATCAATGCAAATATCATCATGGTAAGCT-3'
Protein context (NP_002825.3, residues 284-304): PFDHTRVVLH[Asp294Asn]GDPNEPVSDY